The following is an entry in ClinVar:

NM_001369598.1(ST7):c.1638+917G>T

Gene: ST7 (suppression of tumorigenicity 7; plus strand). Cytogenetic location: 7q31.2.
Variant type: single nucleotide variant.
Coding change: c.1638+917G>T on transcript NM_001369598.1 (MANE Select); 917 bases into the intron after coding-DNA position 1638, G replaced by T.
Molecular consequence: intron variant. On other transcripts: stop lost (2).
Genome position (GRCh38, 1-based): chr7:117,222,979, G>T. VCF-style: chr7-117222979-G-T. GRCh37 (hg19) VCF-style: chr7-116863033-G-T.
Other names: *563L; *586L; c.1688G>T, p.Ter563Leu (NM_001369604.1); c.1757G>T, p.Ter586Leu (NM_021908.3); c.1419+917G>T (NM_001369607.1); c.1623+917G>T (NM_001369601.1); c.1569+917G>T (NM_018412.4); c.1500+917G>T (NM_001369602.1); and 4 more.
Identifiers: ClinVar variation 743510 (VCV000743510.7), dbSNP rs61731531, ClinGen allele CA4449705.

ClinVar aggregate classification (germline): Likely benign. Review status: criteria provided, multiple submitters, no conflicts (2 of 4 stars). 3 submissions from 3 submitters: Likely benign (2). 1 of the submissions does not count toward it. Last evaluated 2019-12-31.

Conditions:
ST7-related disorder. Also called: ST7-related condition.

Allele frequency attached by ClinVar (database versions not stated): gnomAD 0.00156; ESP Exome Variant Server 0.00177; TOPMed 0.00181; 1000 Genomes Project 0.00280; 1000 Genomes Project 30x 0.00281.
gnomAD v4.1: 445 of 1,600,846 alleles (0.028%); highest among the groups gnomAD compares: African/African-American, 0.52%; 3 homozygotes.

Submissions (3):

Labcorp Genetics (formerly Invitae), Labcorp
Classification: Likely benign. Last evaluated: 2019-12-31. Review status: criteria provided, single submitter. Criteria: Invitae Variant Classification Sherloc (09022015). Collection method: clinical testing. Allele origin: germline.

Breakthrough Genomics
Classification: Likely benign. Review status: criteria provided, single submitter. Criteria: ACMG Guidelines, 2015. Collection method: not provided. Allele origin: germline. Inheritance: Unknown mechanism. Affected: yes.

PreventionGenetics, part of Exact Sciences
Classification: Likely benign for ST7-related condition. Last evaluated: 2022-05-31. Review status: no assertion criteria provided. Collection method: clinical testing. Allele origin: germline. Not counted in ClinVar's aggregate classification.
Comment: This variant is classified as likely benign based on ACMG/AMP sequence variant interpretation guidelines (Richards et al. 2015 PMID: 25741868, with internal and published modifications).